The following is an entry in ClinVar:

ClinVar aggregate classification (germline): Likely benign. Review status: criteria provided, multiple submitters, no conflicts (2 of 4 stars). 2 submissions from 2 submitters: Likely benign (2). Last evaluated 2025-11-24.

Conditions:
Developmental and epileptic encephalopathy, 14 (DEE14). Also called: Early infantile epileptic encephalopathy 14. Identifiers: Orphanet 293181, MedGen C3554195, MONDO:0013989, OMIM 614959.
Autosomal dominant nocturnal frontal lobe epilepsy 5. Also called: Epilepsy, nocturnal frontal lobe, 5; KCNT1-Related Epilepsy; CILIARY DYSKINESIA, PRIMARY, 28, WITHOUT SITUS INVERSUS; CILIARY DYSKINESIA, PRIMARY, 28, WITH SITUS INVERSUS. Identifiers: Orphanet 98784, MedGen C3554306, MONDO:0014002, OMIM 615005.

Allele frequency attached by ClinVar (database versions not stated): gnomAD 0.00001; gnomAD exomes 0.00002 and 0.00005; TOPMed 0.00002; ExAC 0.00005.
gnomAD v4.1: 25 of 1,604,170 alleles (0.0016%); highest among the groups gnomAD compares: East Asian, 0.0045%; no homozygotes.

Submissions (2):

Labcorp Genetics (formerly Invitae), Labcorp
Classification: Likely benign for Autosomal dominant nocturnal frontal lobe epilepsy 5; Developmental and epileptic encephalopathy, 14. Last evaluated: 2025-11-24. Review status: criteria provided, single submitter. Criteria: Invitae Variant Classification Sherloc (09022015). Collection method: clinical testing. Allele origin: germline.

CeGaT Center for Human Genetics Tuebingen
Classification: Likely benign. Last evaluated: 2025-10-01. Review status: criteria provided, single submitter. Criteria: CeGaT Center For Human Genetics Tuebingen Variant Classification Criteria Version 2. Collection method: clinical testing. Allele origin: germline. Affected: yes. Observed: 1 variant allele.
Comment: KCNT1: BP4

NM_020822.3(KCNT1):c.3619G>A (p.Val1207Met)

Gene: KCNT1 (potassium sodium-activated channel subfamily T member 1; plus strand). Cytogenetic location: 9q34.3.
Variant type: single nucleotide variant.
Coding change: c.3619G>A on transcript NM_020822.3 (MANE Select); coding-DNA position 3619, G replaced by A.
Protein change: p.Val1207Met; replaces valine 1207 with methionine.
Molecular consequence: missense variant.
Genome position (GRCh38, 1-based): chr9:135,792,072, G>A. VCF-style: chr9-135792072-G-A. GRCh37 (hg19) VCF-style: chr9-138683918-G-A.
Other names: c.3547G>A, p.Val1183Met (NM_001272003.2); short protein forms V1207M, V1183M.
Identifiers: ClinVar variation 571900 (VCV000571900.17), dbSNP rs766339368, ClinGen allele CA5328005.